The following is an entry in ClinVar:

ClinVar aggregate classification (germline): Uncertain significance (1 of 4 stars; one submission).

gnomAD v4.1: 1 of 1,612,746 alleles (0.000062%); highest among the groups gnomAD compares: Non-Finnish European, 0.000085%; no homozygotes.

Submission:

Quest Diagnostics Nichols Institute San Juan Capistrano
Classification: Uncertain significance. Last evaluated: 2025-06-12. Review status: criteria provided, single submitter. Criteria: Quest Diagnostics criteria. Collection method: clinical testing. Allele origin: unknown.
Comment: The FANCM c.4003A>G (p.Lys1335Glu) variant has not been reported in individuals with FANCM-related conditions in the published literature. It also has not been reported in large, multi-ethnic general populations (Genome Aggregation Database). Analysis of this variant using bioinformatics tools for the prediction of the effect of amino acid changes on protein structure and function yielded conflicting predictions that this variant is benign or damaging. Based on the available information, we are unable to determine the clinical significance of this variant.

NM_020937.4(FANCM):c.4003A>G (p.Lys1335Glu)

Gene: FANCM (FA complementation group M; plus strand). Cytogenetic location: 14q21.2.
Variant type: single nucleotide variant.
Coding change: c.4003A>G on transcript NM_020937.4 (MANE Select); coding-DNA position 4003, A replaced by G.
Protein change: p.Lys1335Glu; replaces lysine 1335 with glutamic acid.
Molecular consequence: missense variant.
Genome position (GRCh38, 1-based): chr14:45,176,757, A>G. VCF-style: chr14-45176757-A-G. GRCh37 (hg19) VCF-style: chr14-45645960-A-G.
Other names: c.3925A>G, p.Lys1309Glu (NM_001308133.2); short protein forms K1309E, K1335E.
Identifiers: ClinVar variation 4533133 (VCV004533133.1).